The following is an entry in ClinVar:

NM_001378183.1(PIEZO2):c.76C>T (p.Arg26Ter)

Gene: PIEZO2 (piezo type mechanosensitive ion channel component 2; minus strand). Cytogenetic location: 18p11.21.
Variant type: single nucleotide variant.
Coding change: c.76C>T on transcript NM_001378183.1 (MANE Select); coding-DNA position 76, C replaced by T.
Protein change: p.Arg26Ter; replaces arginine 26 with a stop codon.
Molecular consequence: nonsense.
Genome position (GRCh38, 1-based): chr18:11,066,211, G>A on the plus strand (C>T on the coding strand, the complement: PIEZO2 is on the minus strand). VCF-style: chr18-11066211-G-A. GRCh37 (hg19) VCF-style: chr18-11066210-G-A.
Other names: c.76C>T, p.Arg26Ter (NM_001410871.1, NM_022068.4); short protein forms R26*.
Identifiers: ClinVar variation 2571822 (VCV002571822.2), dbSNP rs571918997, ClinGen allele CA296610256.
Genomic context (GRCh38, chr18:11,066,211, plus strand): 5'-CTGAGAACAGAGGAATGAGCAAGAGGTAGATAAGGTAGACAAAGGAGAGCCCATTGTATC[G>A]GAATGCACATGCTGTGGGTGGGAAGAGAGAAGAGAGTGAGAAGATCATTAACAAAGGCAG-3'

ClinVar aggregate classification (germline): Likely pathogenic. Review status: criteria provided, multiple submitters, no conflicts (2 of 4 stars). 2 submissions from 2 submitters: Likely pathogenic (2). Last evaluated 2024-09-22.

Conditions:
Arthrogryposis, distal, with impaired proprioception and touch (DAIPT). Identifiers: MedGen C4310692, MONDO:0014941, OMIM 617146.

Allele frequency attached by ClinVar (database versions not stated): gnomAD 0.00001; gnomAD exomes 0.00001; TOPMed 0.00001; 1000 Genomes Project 0.00020; 1000 Genomes Project 30x 0.00031.
gnomAD v4.1: 13 of 1,536,486 alleles (0.00085%); highest among the groups gnomAD compares: African/African-American, 0.0027%; no homozygotes.

Submissions (2):

Genomic Medicine Center of Excellence, King Faisal Specialist Hospital and Research Centre
Classification: Likely pathogenic for Arthrogryposis, distal, with impaired proprioception and touch. Last evaluated: 2024-09-22. Review status: criteria provided, single submitter. Criteria: ACMG Guidelines, 2015. Collection method: clinical testing. Allele origin: germline.

GeneDx
Classification: Likely pathogenic. Last evaluated: 2023-06-16. Review status: criteria provided, single submitter. Criteria: GeneDx Variant Classification Process June 2021. Collection method: clinical testing. Allele origin: germline. Affected: yes.
Comment: Observed with a second loss of function variant on the opposite allele (in trans) in a patient with neonatal respiratory distress, feeding difficulties, hypotonia, delay, and scoliosis in the published literature (Behunova et al., 2019); Nonsense variant predicted to result in protein truncation or nonsense mediated decay in a gene for which loss of function is a known mechanism of disease; Not observed at significant frequency in large population cohorts (gnomAD); This variant is associated with the following publications: (PMID: 30800044)